The following is an entry in ClinVar:

NM_024426.6(WT1):c.24C>G (p.Asp8Glu)

Genes: WT1 (WT1 transcription factor; minus strand), LOC107982234 (WT1/WT1-AS bi-directional promoter region; plus strand). Cytogenetic location: 11p13.
Variant type: single nucleotide variant.
Coding change: c.24C>G on transcript NM_024426.6 (MANE Select); coding-DNA position 24, C replaced by G.
Protein change: p.Asp8Glu; replaces aspartic acid 8 with glutamic acid.
Molecular consequence: missense variant. On other transcripts: non-coding transcript variant (1).
Genome position (GRCh38, 1-based): chr11:32,435,337, G>C on the plus strand (C>G on the coding strand, the complement: WT1 is on the minus strand). VCF-style: chr11-32435337-G-C. GRCh37 (hg19) VCF-style: chr11-32456883-G-C.
Other names: c.24C>G, p.Asp8Glu (NM_000378.6, NM_024424.5); short protein forms D8E.
Identifiers: ClinVar variation 998537 (VCV000998537.9), dbSNP rs1393437791, ClinGen allele CA379966544.

ClinVar aggregate classification (germline): Uncertain significance (1 of 4 stars; one submission).

Conditions:
Wilms tumor 1 (WT1). Also called: Wilms tumor, somatic. Identifiers: Orphanet 654, MedGen CN033288, MONDO:0008679, OMIM 194070.
11p partial monosomy syndrome (WAGR). Also called: WAGR Complex; WAGR syndrome; WAGR Spectrum Disorder; CHROMOSOME 11p13 DELETION SYNDROME. Identifiers: Orphanet 893, MedGen C0206115, MONDO:0008681, OMIM 194072.
Drash syndrome (DDS). Also called: WILMS TUMOR AND PSEUDO- OR TRUE HERMAPHRODITISM; NEPHROPATHY, WILMS TUMOR, AND GENITAL ANOMALIES. Identifiers: Orphanet 220, MedGen C0950121, MONDO:0008682, OMIM 194080.
Frasier syndrome. Identifiers: Orphanet 347, MedGen C0950122, MeSH D052159, MONDO:0007635, OMIM 136680.

Submission:

Labcorp Genetics (formerly Invitae), Labcorp
Classification: Uncertain significance for Wilms tumor 1; Drash syndrome; 11p partial monosomy syndrome; Frasier syndrome. Last evaluated: 2025-12-30. Review status: criteria provided, single submitter. Criteria: Invitae Variant Classification Sherloc (09022015). Collection method: clinical testing. Allele origin: germline.
Comment: This sequence change replaces aspartic acid, which is acidic and polar, with glutamic acid, which is acidic and polar, at codon 3 of the WT1 protein (p.Asp3Glu). This variant is not present in population databases (gnomAD no frequency). This variant has not been reported in the literature in individuals affected with WT1-related conditions. ClinVar contains an entry for this variant (Variation ID: 998537). An algorithm developed to predict the effect of missense changes on protein structure and function outputs the following: PolyPhen-2: "Benign". The glutamic acid amino acid residue is found in multiple mammalian species, which suggests that this missense change does not adversely affect protein function. In summary, the available evidence is currently insufficient to determine the role of this variant in disease. Therefore, it has been classified as a Variant of Uncertain Significance.